The following is an entry in ClinVar:

ClinVar aggregate classification (germline): Uncertain significance (1 of 4 stars; one submission).

Submission:

Labcorp Genetics (formerly Invitae), Labcorp
Classification: Uncertain significance. Last evaluated: 2025-05-02. Review status: criteria provided, single submitter. Criteria: Invitae Variant Classification Sherloc (09022015). Collection method: clinical testing. Allele origin: germline.
Comment: This variant, c.3444_3686del, results in the deletion of 81 amino acid(s) of the TUBGCP6 protein (p.Thr1154_Pro1234del), but otherwise preserves the integrity of the reading frame. This variant is not present in population databases (gnomAD no frequency). This variant has not been reported in the literature in individuals affected with TUBGCP6-related conditions. Experimental studies and prediction algorithms are not available or were not evaluated, and the functional significance of this variant is currently unknown. In summary, the available evidence is currently insufficient to determine the role of this variant in disease. Therefore, it has been classified as a Variant of Uncertain Significance.

NM_020461.4(TUBGCP6):c.3444_3686del (p.Thr1154_Pro1234del)

Gene: TUBGCP6 (tubulin gamma complex component 6; minus strand). Cytogenetic location: 22q13.33.
Variant type: Deletion.
Coding change: c.3444_3686del on transcript NM_020461.4 (MANE Select); coding-DNA positions 3444 to 3686, 243 bases deleted.
Protein change: p.Thr1154_Pro1234del.
Molecular consequence: inframe deletion.
Genome position (GRCh38, 1-based): chr22:50,220,673-50,220,915, 243 bases deleted. GRCh37 (hg19): chr22:50,659,127-50,659,369.
Identifiers: ClinVar variation 4718819 (VCV004718819.1).